The following is an entry in ClinVar:

ClinVar aggregate classification (germline): Pathogenic (1 of 4 stars; one submission).

Conditions:
Macrocephaly, dysmorphic facies, and psychomotor retardation (MDFPMR). Identifiers: Orphanet 457359, MedGen C4310766, MONDO:0014863, OMIM 617011.

Submission:

Institute of Human Genetics, University of Leipzig Medical Center
Classification: Pathogenic for Macrocephaly, dysmorphic facies, and psychomotor retardation. Last evaluated: 2025-07-18. Review status: criteria provided, single submitter. Criteria: ACMG Guidelines, 2015. Collection method: clinical testing. Allele origin: de novo. Inheritance: Autosomal recessive inheritance. Affected: yes.
Comment: Criteria applied: PM2,PS2,PVS1

NM_003922.4(HERC1):c.1168C>T (p.Gln390Ter)

Gene: HERC1 (HECT and RLD domain containing E3 ubiquitin protein ligase family member 1; minus strand). Cytogenetic location: 15q22.31.
Variant type: single nucleotide variant.
Coding change: c.1168C>T on transcript NM_003922.4 (MANE Select); coding-DNA position 1168, C replaced by T.
Protein change: p.Gln390Ter; replaces glutamine 390 with a stop codon.
Molecular consequence: nonsense.
Genome position (GRCh38, 1-based): chr15:63,758,228, G>A on the plus strand (C>T on the coding strand, the complement: HERC1 is on the minus strand). VCF-style: chr15-63758228-G-A. GRCh37 (hg19) VCF-style: chr15-64050427-G-A.
Other names: short protein forms Q390*.
Identifiers: ClinVar variation 4082353 (VCV004082353.1).